The following is an entry in ClinVar:

NM_000465.4(BARD1):c.1338C>A (p.Tyr446Ter)

Gene: BARD1 (BRCA1 associated RING domain 1; minus strand). Cytogenetic location: 2q35.
Variant type: single nucleotide variant.
Coding change: c.1338C>A on transcript NM_000465.4 (MANE Select); coding-DNA position 1338, C replaced by A.
Protein change: p.Tyr446Ter; replaces tyrosine 446 with a stop codon.
Molecular consequence: nonsense. On other transcripts: non-coding transcript variant (3), intron variant (3).
Genome position (GRCh38, 1-based): chr2:214,769,289, G>T on the plus strand (C>A on the coding strand, the complement: BARD1 is on the minus strand). VCF-style: chr2-214769289-G-T. GRCh37 (hg19) VCF-style: chr2-215634013-G-T.
Other names: c.1281C>A, p.Tyr427Ter (NM_001282543.2); c.159-16734C>A (NM_001282548.2); c.216-16734C>A (NM_001282545.2); c.364+23008C>A (NM_001282549.2); short protein forms Y446*, Y427*.
Identifiers: ClinVar variation 660557 (VCV000660557.16), dbSNP rs761702998, ClinGen allele CA2090283.

ClinVar aggregate classification (germline): Pathogenic. Review status: criteria provided, multiple submitters, no conflicts (2 of 4 stars). 4 submissions from 4 submitters: Pathogenic (4). Last evaluated 2025-04-07.

Conditions:
Hereditary cancer-predisposing syndrome. Also called: Neoplastic Syndromes, Hereditary; Hereditary neoplastic syndrome; Hereditary Cancer Syndrome; Tumor predisposition. Identifiers: Orphanet 140162, MedGen C0027672, MeSH D009386, MONDO:0015356.
Familial cancer of breast. Also called: hereditary breast carcinoma; Hereditary breast cancer; BREAST CANCER, FAMILIAL. Identifiers: Orphanet 227535, MedGen C0346153, MONDO:0016419, OMIM 114480. Disease mechanism: loss of function.

Allele frequency attached by ClinVar (database versions not stated): ExAC 0.00001; gnomAD exomes 0.00001.

Submissions (4):

Ambry Genetics
Classification: Pathogenic for Hereditary cancer-predisposing syndrome. Last evaluated: 2025-04-07. Review status: criteria provided, single submitter. Criteria: Ambry Variant Classification Scheme 2023. Collection method: clinical testing. Allele origin: germline.
Comment: The p.Y446* pathogenic mutation (also known as c.1338C>A), located in coding exon 5 of the BARD1 gene, results from a C to A substitution at nucleotide position 1338. This changes the amino acid from a tyrosine to a stop codon within coding exon 5. This alteration is expected to result in loss of function by premature protein truncation or nonsense-mediated mRNA decay. As such, this alteration is interpreted as a disease-causing mutation.

Labcorp Genetics (formerly Invitae), Labcorp
Classification: Pathogenic for Familial cancer of breast. Last evaluated: 2024-11-30. Review status: criteria provided, single submitter. Criteria: Invitae Variant Classification Sherloc (09022015). Collection method: clinical testing. Allele origin: germline.
Comment: This sequence change creates a premature translational stop signal (p.Tyr446*) in the BARD1 gene. It is expected to result in an absent or disrupted protein product. Loss-of-function variants in BARD1 are known to be pathogenic (PMID: 20077502, 21344236). This variant is present in population databases (rs761702998, gnomAD 0.006%). This premature translational stop signal has been observed in individual(s) with breast cancer (PMID: 28724667). ClinVar contains an entry for this variant (Variation ID: 660557). For these reasons, this variant has been classified as Pathogenic.

Myriad Genetics, Inc.
Classification: Pathogenic for Familial cancer of breast. Last evaluated: 2023-05-23. Review status: criteria provided, single submitter. Criteria: Myriad Autosomal Dominant, Autosomal Recessive and X-Linked Classification Criteria (2023). Collection method: clinical testing. Allele origin: unknown.
Comment: This variant is considered pathogenic. This variant creates a termination codon and is predicted to result in premature protein truncation.

Juno Genomics, Hangzhou Juno Genomics, Inc
Classification: Pathogenic for Familial cancer of breast. Review status: criteria provided, single submitter. Criteria: ACMG Guidelines, 2015. Collection method: clinical testing. Allele origin: germline.
Comment: Absent from controls (or at extremely low frequency if recessive) in Genome Aggregation Database.;Null variant in a gene where loss of function (LOF) is a known mechanism of disease.;The prevalence of the variant in affected individuals is significantly increased compared to the prevalence in controls.

Literature cited by the submitters: PubMed 20077502 (cited by Labcorp Genetics (formerly Invitae), Labcorp); PubMed 21344236 (cited by Labcorp Genetics (formerly Invitae), Labcorp); PubMed 28724667 (cited by Labcorp Genetics (formerly Invitae), Labcorp).